The following is an entry in ClinVar:

NM_001378969.1(KCND3):c.1601C>T (p.Pro534Leu)

Gene: KCND3 (potassium voltage-gated channel subfamily D member 3; minus strand). Cytogenetic location: 1p13.2.
Variant type: single nucleotide variant.
Coding change: c.1601C>T on transcript NM_001378969.1 (MANE Select); coding-DNA position 1601, C replaced by T.
Protein change: p.Pro534Leu; replaces proline 534 with leucine.
Molecular consequence: missense variant.
Genome position (GRCh38, 1-based): chr1:111,777,191, G>A on the plus strand (C>T on the coding strand, the complement: KCND3 is on the minus strand). VCF-style: chr1-111777191-G-A. GRCh37 (hg19) VCF-style: chr1-112319813-G-A.
Other names: c.1544C>T, p.Pro515Leu (NM_001378970.1, NM_172198.3); c.1601C>T, p.Pro534Leu (NM_004980.5); short protein forms P534L, P515L.
Identifiers: ClinVar variation 465166 (VCV000465166.11), dbSNP rs1553235768, ClinGen allele CA341657229.
Genomic context (GRCh38, chr1:111,777,191, plus strand): 5'-GTCTTCTTACTACGACGGGAGCAGCAGGTGGTAGTGAGGCCTGGGTGGCTGGACAGTGAG[G>A]GACTTCTTGTGGATGGGTAGTTCTGCATTGAACTCTCCATGCAGTTCTGCTCAAACATCT-3'
Protein context (NP_001365898.1, residues 524-544): SMQNYPSTRS[Pro534Leu]SLSSHPGLTT

ClinVar aggregate classification (germline): Uncertain significance (1 of 4 stars; one submission).

Conditions:
Spinocerebellar ataxia type 19/22 (SCA19). Also called: SPINOCEREBELLAR ATAXIA 19; SPINOCEREBELLAR ATAXIA 22. Identifiers: Orphanet 98772, MedGen C1846367, MONDO:0011819, OMIM 607346.

Allele frequency attached by ClinVar (database versions not stated): TOPMed below 0.00001.

Submission:

Labcorp Genetics (formerly Invitae), Labcorp
Classification: Uncertain significance for Spinocerebellar ataxia type 19/22. Last evaluated: 2020-02-07. Review status: criteria provided, single submitter. Criteria: Invitae Variant Classification Sherloc (09022015). Collection method: clinical testing. Allele origin: germline.
Comment: This sequence change replaces proline with leucine at codon 534 of the KCND3 protein (p.Pro534Leu). The proline residue is highly conserved and there is a moderate physicochemical difference between proline and leucine. This variant is not present in population databases (ExAC no frequency) and has not been reported in the literature in individuals with a KCND3-related disease. Algorithms developed to predict the effect of missense changes on protein structure and function do not agree on the potential impact of this missense change (SIFT: "Deleterious"; PolyPhen-2: "Possibly Damaging"; Align-GVGD: "Class C0"). In summary, this variant is a novel missense change with uncertain impact on protein function. It has been classified as a Variant of Uncertain Significance.